The following is an entry in ClinVar:

NM_000245.4(MET):c.540G>A (p.Leu180=)

Gene: MET (MET proto-oncogene, receptor tyrosine kinase; plus strand). Cytogenetic location: 7q31.2.
Variant type: single nucleotide variant.
Coding change: c.540G>A on transcript NM_000245.4 (MANE Select); coding-DNA position 540, G replaced by A.
Protein change: p.Leu180=; no amino-acid change (leucine 180 retained).
Molecular consequence: synonymous variant. On other transcripts: intron variant (1).
Genome position (GRCh38, 1-based): chr7:116,699,624, G>A. VCF-style: chr7-116699624-G-A. GRCh37 (hg19) VCF-style: chr7-116339678-G-A.
Other names: c.540G>A, p.Leu180= (NM_001127500.3, NM_001324401.3); c.-91+27047G>A (NM_001324402.2); c.540G>A (NM_001127500.1).
Identifiers: ClinVar variation 1422813 (VCV001422813.10), dbSNP rs1791488808, ClinGen allele CA457447752.

ClinVar aggregate classification (germline): Benign/Likely benign. Review status: criteria provided, multiple submitters, no conflicts (2 of 4 stars). 3 submissions from 3 submitters: Benign (1); Likely benign (2). Last evaluated 2025-06-11.

Conditions:
Papillary renal cell carcinoma type 1 (RCCP1). Also called: Renal adenocarcinoma; Renal cell carcinoma 1; Renal cell carcinoma, somatic; RENAL CELL CARCINOMA, PAPILLARY, 1, SOMATIC. Identifiers: Orphanet 47044, MedGen C1336839, OMIM 605074, HP:0011797.
Renal cell carcinoma. Identifiers: Orphanet 217071, MedGen C0007134, MeSH D002292, MONDO:0005086, HP:0005584.
Hereditary cancer-predisposing syndrome. Also called: Neoplastic Syndromes, Hereditary; Hereditary Cancer Syndrome; Hereditary neoplastic syndrome; Tumor predisposition. Identifiers: Orphanet 140162, MedGen C0027672, MeSH D009386, MONDO:0015356.

Allele frequency attached by ClinVar (database versions not stated): gnomAD exomes below 0.00001.
gnomAD v4.1: 1 of 1,613,912 alleles (0.000062%); highest among the groups gnomAD compares: Non-Finnish European, 0.000085%; no homozygotes.

Submissions (3):

Labcorp Genetics (formerly Invitae), Labcorp
Classification: Likely benign for Renal cell carcinoma. Last evaluated: 2025-06-11. Review status: criteria provided, single submitter. Criteria: Invitae Variant Classification Sherloc (09022015). Collection method: clinical testing. Allele origin: germline.

Myriad Genetics, Inc.
Classification: Benign for Papillary renal cell carcinoma type 1. Last evaluated: 2024-11-06. Review status: criteria provided, single submitter. Criteria: Myriad Autosomal Dominant, Autosomal Recessive and X-Linked Classification Criteria (2023). Collection method: clinical testing. Allele origin: unknown.
Comment: This variant is considered benign. This variant is a silent/synonymous amino acid change and it is not expected to impact splicing.

Ambry Genetics
Classification: Likely benign for Hereditary cancer-predisposing syndrome. Last evaluated: 2024-01-29. Review status: criteria provided, single submitter. Criteria: Ambry Variant Classification Scheme 2023. Collection method: clinical testing. Allele origin: germline.